The following is an entry in ClinVar:

ClinVar aggregate classification (germline): Uncertain significance (1 of 4 stars; one submission).

Conditions:
Inborn genetic diseases. Identifiers: MedGen C0950123, MeSH D030342.

gnomAD v4.1: 1 of 1,613,950 alleles (0.000062%); highest among the groups gnomAD compares: Non-Finnish European, 0.000085%; no homozygotes.

Submission:

Ambry Genetics
Classification: Uncertain significance for Inborn genetic diseases. Last evaluated: 2024-11-28. Review status: criteria provided, single submitter. Criteria: Ambry Variant Classification Scheme 2023. Collection method: clinical testing. Allele origin: germline.
Comment: The p.E1426D variant (also known as c.4278G>C), located in coding exon 13 of the ASXL1 gene, results from a G to C substitution at nucleotide position 4278. The glutamic acid at codon 1426 is replaced by aspartic acid, an amino acid with highly similar properties. This amino acid position is conserved. In addition, this alteration is predicted to be tolerated by in silico analysis. Based on the available evidence, the clinical significance of this variant remains unclear.

NM_015338.6(ASXL1):c.4278G>C (p.Glu1426Asp)

Gene: ASXL1 (ASXL transcriptional regulator 1; plus strand). Cytogenetic location: 20q11.21.
Variant type: single nucleotide variant.
Coding change: c.4278G>C on transcript NM_015338.6 (MANE Select); coding-DNA position 4278, G replaced by C.
Protein change: p.Glu1426Asp; replaces glutamic acid 1426 with aspartic acid.
Molecular consequence: missense variant.
Genome position (GRCh38, 1-based): chr20:32,436,990, G>C. VCF-style: chr20-32436990-G-C. GRCh37 (hg19) VCF-style: chr20-31024793-G-C.
Other names: c.4095G>C, p.Glu1365Asp (NM_001363734.1); short protein forms E1365D, E1426D.
Identifiers: ClinVar variation 3439029 (VCV003439029.1).
Genomic context (GRCh38, chr20:32,436,990, plus strand): 5'-GGACTTGCCCTTCTGGAAATTACCCCGAGAGCCAGGGAAGGGGCTCAGTGAGCCTCTGGA[G>C]CCTTCTTCTCTCCCCTCCCAACTCAGCATCAAGCAGGCATTTTATGGGAAGCTTTCTAAA-3'
Protein context (NP_056153.2, residues 1416-1436): EPGKGLSEPL[Glu1426Asp]PSSLPSQLSI